The following is an entry in ClinVar:

NM_004577.4(PSPH):c.146G>A (p.Arg49Gln)

Gene: PSPH (phosphoserine phosphatase; minus strand). Cytogenetic location: 7p11.2.
Variant type: single nucleotide variant.
Coding change: c.146G>A on transcript NM_004577.4 (MANE Select); coding-DNA position 146, G replaced by A.
Protein change: p.Arg49Gln; replaces arginine 49 with glutamine.
Molecular consequence: missense variant.
Genome position (GRCh38, 1-based): chr7:56,019,729, C>T on the plus strand (G>A on the coding strand, the complement: PSPH is on the minus strand). VCF-style: chr7-56019729-C-T. GRCh37 (hg19) VCF-style: chr7-56087422-C-T.
Other names: c.146G>A, p.Arg49Gln (NM_001370503.1, NM_001370504.1, NM_001370505.1 and 17 more transcripts); short protein forms R49Q.
Identifiers: ClinVar variation 360509 (VCV000360509.6), dbSNP rs144281276, ClinGen allele CA4268754.

ClinVar aggregate classification (germline): Likely benign. Review status: criteria provided, multiple submitters, no conflicts (2 of 4 stars). 2 submissions from 2 submitters: Likely benign (2). Last evaluated 2018-01-13.

Conditions:
Deficiency of phosphoserine phosphatase (PSPHD). Also called: Phosphoserine phosphatase deficiency; PSPH deficiency. Identifiers: Orphanet 79350, MedGen C1291463, MONDO:0013531, OMIM 614023.

Allele frequency attached by ClinVar (database versions not stated): gnomAD exomes 0.00013 and 0.00033; ExAC 0.00038; 1000 Genomes Project 0.00060; 1000 Genomes Project 30x 0.00062; gnomAD 0.00125 and 0.00138; ESP Exome Variant Server 0.00169.
gnomAD v4.1: 386 of 1,613,220 alleles (0.024%); highest among the groups gnomAD compares: African/African-American, 0.46%; no homozygotes.

Submissions (2):

Illumina Laboratory Services, Illumina
Classification: Likely benign for Deficiency of phosphoserine phosphatase. Last evaluated: 2018-01-13. Review status: criteria provided, single submitter. Criteria: ICSL Variant Classification Criteria 13 December 2019. Collection method: clinical testing. Allele origin: germline.
Comment: This variant was observed in the ICSL laboratory as part of a predisposition screen in an ostensibly healthy population. It had not been previously curated by ICSL or reported in the Human Gene Mutation Database (HGMD: prior to June 1st, 2018), and was therefore a candidate for classification through an automated scoring system. Utilizing variant allele frequency, disease prevalence and penetrance estimates, and inheritance mode, an automated score was calculated to assess if this variant is too frequent to cause the disease. Based on the score and internal cut-off values, a variant classified as likely benign is not then subjected to further curation. The score for this variant resulted in a classification of likely benign for this disease.

Breakthrough Genomics
Classification: Likely benign. Review status: criteria provided, single submitter. Criteria: ACMG Guidelines, 2015. Collection method: not provided. Allele origin: germline. Inheritance: Autosomal recessive inheritance. Affected: yes.